The following is an entry in ClinVar:

NM_003839.4(TNFRSF11A):c.308C>A (p.Ala103Asp)

Gene: TNFRSF11A (TNF receptor superfamily member 11a; plus strand). Cytogenetic location: 18q21.33.
Variant type: single nucleotide variant.
Coding change: c.308C>A on transcript NM_003839.4 (MANE Select); coding-DNA position 308, C replaced by A.
Protein change: p.Ala103Asp; replaces alanine 103 with aspartic acid.
Molecular consequence: missense variant.
Genome position (GRCh38, 1-based): chr18:62,354,415, C>A. VCF-style: chr18-62354415-C-A. GRCh37 (hg19) VCF-style: chr18-60021648-C-A.
Other names: c.308C>A, p.Ala103Asp (NM_001270949.2, NM_001270950.2, NM_001270951.2 and 1 more transcripts); short protein forms A103D.
Identifiers: ClinVar variation 3689523 (VCV003689523.2).

ClinVar aggregate classification (germline): Uncertain significance (1 of 4 stars; one submission).

gnomAD v4.1: 1 of 1,589,314 alleles (0.000063%); highest among the groups gnomAD compares: Non-Finnish European, 0.000085%; no homozygotes.

Submission:

Labcorp Genetics (formerly Invitae), Labcorp
Classification: Uncertain significance. Last evaluated: 2024-07-19. Review status: criteria provided, single submitter. Criteria: Invitae Variant Classification Sherloc (09022015). Collection method: clinical testing. Allele origin: germline.
Comment: This sequence change replaces alanine, which is neutral and non-polar, with aspartic acid, which is acidic and polar, at codon 103 of the TNFRSF11A protein (p.Ala103Asp). This variant is not present in population databases (gnomAD no frequency). This variant has not been reported in the literature in individuals affected with TNFRSF11A-related conditions. Advanced modeling of protein sequence and biophysical properties (such as structural, functional, and spatial information, amino acid conservation, physicochemical variation, residue mobility, and thermodynamic stability) performed at Invitae indicates that this missense variant is not expected to disrupt TNFRSF11A protein function with a negative predictive value of 80%. In summary, the available evidence is currently insufficient to determine the role of this variant in disease. Therefore, it has been classified as a Variant of Uncertain Significance.